The following is an entry in ClinVar:

ClinVar aggregate classification (germline): Uncertain significance (1 of 4 stars; one submission).

Conditions:
Schaaf-Yang syndrome (SHFYNG). Also called: MAGEL2-related Prader-Willi-like syndrome; Arthrogryposis, distal, with hypopituitarism, intellectual disability, and facial anomalies. Identifiers: Orphanet 398069, MedGen C5575066, MONDO:0014243, OMIM 615547.

gnomAD v4.1: 4 of 1,613,696 alleles (0.00025%); highest among the groups gnomAD compares: African/African-American, 0.004%; no homozygotes.

Submission:

Clinical Genomics Laboratory, Washington University in St. Louis
Classification: Uncertain significance for Schaaf-Yang syndrome. Last evaluated: 2024-01-05. Review status: criteria provided, single submitter. Criteria: ACMG Guidelines, 2015. Collection method: clinical testing. Allele origin: germline.
Comment: The MAGEL2 c.2768A>G (p.Glu923Gly) variant, to our knowledge, has not been reported in the medical literature. This variant is only observed on 1 out of 249,146 alleles in the general population (gnomAD v.2.1.1), indicating it is not a common variant. Computational predictors suggest that the variant does not impact MAGEL2 function. Due to limited information, and based on ACMG/AMP guidelines for variant interpretation (Richards S et al., PMID: 25741868), the clinical significance of this variant is uncertain at this time.

NM_019066.5(MAGEL2):c.2768A>G (p.Glu923Gly)

Gene: MAGEL2 (MAGE family member L2; minus strand). Cytogenetic location: 15q11.2.
Variant type: single nucleotide variant.
Coding change: c.2768A>G on transcript NM_019066.5 (MANE Select); coding-DNA position 2768, A replaced by G.
Protein change: p.Glu923Gly; replaces glutamic acid 923 with glycine.
Molecular consequence: missense variant.
Genome position (GRCh38, 1-based): chr15:23,644,975, T>C on the plus strand (A>G on the coding strand, the complement: MAGEL2 is on the minus strand). VCF-style: chr15-23644975-T-C. GRCh37 (hg19) VCF-style: chr15-23890122-T-C.
Other names: short protein forms E923G.
Identifiers: ClinVar variation 3602585 (VCV003602585.2).